The following is an entry in ClinVar:

ClinVar aggregate classification (germline): Uncertain significance (1 of 4 stars; one submission).

Conditions:
Combined oxidative phosphorylation defect type 27. Also called: Combined oxidative phosphorylation deficiency 27. Identifiers: Orphanet 477774, MedGen C5567608, MONDO:0014728, OMIM 616672.

Submission:

Labcorp Genetics (formerly Invitae), Labcorp
Classification: Uncertain significance for Combined oxidative phosphorylation defect type 27. Last evaluated: 2022-05-20. Review status: criteria provided, single submitter. Criteria: Invitae Variant Classification Sherloc (09022015). Collection method: clinical testing. Allele origin: germline.
Comment: In summary, the available evidence is currently insufficient to determine the role of this variant in disease. Therefore, it has been classified as a Variant of Uncertain Significance. This sequence change creates a premature translational stop signal (p.Gln560*) in the CARS2 gene. While this is not anticipated to result in nonsense mediated decay, it is expected to disrupt the last 5 amino acid(s) of the CARS2 protein. This variant is not present in population databases (gnomAD no frequency). This variant has not been reported in the literature in individuals affected with CARS2-related conditions. Experimental studies and prediction algorithms are not available or were not evaluated, and the functional significance of this variant is currently unknown.

NM_024537.4(CARS2):c.1678C>T (p.Gln560Ter)

Gene: CARS2 (cysteinyl-tRNA synthetase 2, mitochondrial; minus strand). Cytogenetic location: 13q34.
Variant type: single nucleotide variant.
Coding change: c.1678C>T on transcript NM_024537.4 (MANE Select); coding-DNA position 1678, C replaced by T.
Protein change: p.Gln560Ter; replaces glutamine 560 with a stop codon.
Molecular consequence: nonsense. On other transcripts: non-coding transcript variant (2).
Genome position (GRCh38, 1-based): chr13:110,641,554, G>A on the plus strand (C>T on the coding strand, the complement: CARS2 is on the minus strand). VCF-style: chr13-110641554-G-A. GRCh37 (hg19) VCF-style: chr13-111293901-G-A.
Other names: c.892C>T, p.Gln298Ter (NM_001352252.2); short protein forms Q560*, Q298*.
Identifiers: ClinVar variation 1996823 (VCV001996823.4), dbSNP rs2501734057, ClinGen allele CA388739059.
Genomic context (GRCh38, chr13:110,641,554, plus strand): 5'-GGGTGCGTCTTGTCGTGAGCAGGTTCATGGCTGTGCTCCATCCTCAGCCCGCTGATTTTT[G>A]GTCTTTTGTCCTTTGATCCAGCAGTTCCCACGTGGATGTTGTACTGCTTCTGTCCTGGAG-3'